The following is an entry in ClinVar:

NM_005002.5(NDUFA9):c.13G>C (p.Ala5Pro)

Gene: NDUFA9 (NADH:ubiquinone oxidoreductase subunit A9; plus strand). Cytogenetic location: 12p13.32.
Variant type: single nucleotide variant.
Coding change: c.13G>C on transcript NM_005002.5 (MANE Select); coding-DNA position 13, G replaced by C.
Protein change: p.Ala5Pro; replaces alanine 5 with proline.
Molecular consequence: missense variant.
Genome position (GRCh38, 1-based): chr12:4,649,139, G>C. VCF-style: chr12-4649139-G-C. GRCh37 (hg19) VCF-style: chr12-4758305-G-C.
Other names: p.A5P:GCA>CCA; short protein forms A5P.
Identifiers: ClinVar variation 138450 (VCV000138450.14), dbSNP rs35155742, ClinGen allele CA292440.

ClinVar aggregate classification (germline): Benign. Review status: criteria provided, multiple submitters, no conflicts (2 of 4 stars). 4 submissions from 4 submitters: Benign (3). 1 of the submissions does not count toward it. Last evaluated 2026-01-28.

Allele frequency attached by ClinVar (database versions not stated): gnomAD 0.00971; TOPMed 0.01231; gnomAD exomes 0.00227; ESP Exome Variant Server 0.01292; 1000 Genomes Project 30x 0.00968; ExAC 0.00408; 1000 Genomes Project 0.00859.
gnomAD v4.1: 3,138 of 1,604,258 alleles (0.2%); highest among the groups gnomAD compares: African/African-American, 3.8%; 65 homozygotes.

Submissions (4):

Labcorp Genetics (formerly Invitae), Labcorp
Classification: Benign. Last evaluated: 2026-01-28. Review status: criteria provided, single submitter. Criteria: Invitae Variant Classification Sherloc (09022015). Collection method: clinical testing. Allele origin: germline.

GeneDx
Classification: Benign. Last evaluated: 2014-02-09. Review status: criteria provided, single submitter. Criteria: GeneDx Variant Classification (06012015). Collection method: clinical testing. Allele origin: germline. Affected: yes.
Comment: This variant is considered likely benign or benign based on one or more of the following criteria: it is a conservative change, it occurs at a poorly conserved position in the protein, it is predicted to be benign by multiple in silico algorithms, and/or has population frequency not consistent with disease.

Breakthrough Genomics
Classification: Benign. Review status: criteria provided, single submitter. Criteria: ACMG Guidelines, 2015. Collection method: not provided. Allele origin: germline. Inheritance: Autosomal recessive inheritance. Affected: yes.

Mayo Clinic Laboratories, Mayo Clinic
Classification: Benign. Last evaluated: 2017-08-04. Review status: no assertion criteria provided. Collection method: clinical testing. Allele origin: unknown. Not counted in ClinVar's aggregate classification.